The following is an entry in ClinVar:

NC_012920.1(MT-TC):m.5806T>C

Gene: MT-TC (mitochondrially encoded tRNA cysteine; minus strand).
Variant type: single nucleotide variant.
Genome position: chrM-5806-T-C.
Identifiers: ClinVar variation 689998 (VCV000689998.1), dbSNP rs879211572, ClinGen allele CA337097240.
Genomic context (GRCh38, chrMT:5,806, plus strand): 5'-GAAAAAAGGCGGGAGAAGCCCCGGCAGGTTTGAAGCTGCTTCTTCGAATTTGCAATTCAA[T>C]ATGAAAATCACCTCGGAGCTGGTAAAAAGAGGCCTAACCCCTGTCTTTAGATTTACAGTC-3'

ClinVar aggregate classification (germline): Benign (1 of 4 stars; one submission).

Conditions:
MELAS syndrome (MELAS). Also called: Juvenile myopathy, encephalopathy, lactic acidosis, stroke. Identifiers: Orphanet 550, MedGen C0162671, MONDO:0010789, OMIM 540000.

Submission:

Wong Mito Lab, Molecular and Human Genetics, Baylor College of Medicine
Classification: Benign for MELAS syndrome. Last evaluated: 2019-07-12. Review status: criteria provided, single submitter. Criteria: Modified ACMG Guidelines (Unpublished). Collection method: clinical testing. Allele origin: germline.
Comment: The NC_012920.1:m.5806T>C variant in MT-TC gene is interpreted to be a Benign variant based on the modified ACMG guidelines (unpublished). This variant meets the following evidence codes reported in the guidelines: BS1, BS2, BP4

Literature cited by the submitters: PubMed 31965079.